The following is an entry in ClinVar:

NM_001042492.3(NF1):c.5821_5825del (p.Leu1941fs)

Gene: NF1 (neurofibromin 1; plus strand). Cytogenetic location: 17q11.2.
Variant type: Microsatellite.
Coding change: c.5821_5825del on transcript NM_001042492.3 (MANE Select); coding-DNA positions 5821 to 5825, 5 bases deleted (TTGAA; older notation c.5821_5825delTTGAA).
Protein change: p.Leu1941fs; shifts the reading frame from leucine 1941.
Molecular consequence: frameshift variant.
Genome position (GRCh38, 1-based): chr17:31,334,846-31,334,850, TTGAA deleted; deleting any 5 consecutive bases within chr17:31,334,840-31,334,850 gives the same sequence; the c. name uses the placement nearest the transcript's 3' end. VCF-style (leftmost placement, unchanged base first): chr17-31334839-TATTGA-T. GRCh37 (hg19) VCF-style: chr17-29661857-TATTGA-T.
Other names: c.5753_5757TTGAA[1], p.Leu1920Thrfs (NM_000267.4); c.5758_5762delTTGAA (NM_000267.3); short protein forms L1941fs, L1920fs.
Identifiers: ClinVar variation 1451746 (VCV001451746.9), dbSNP rs2151550241, ClinGen allele CA2576223593.
Genomic context (GRCh38, chr17:31,334,839, plus strand): 5'-AATAATTGTTGATGTGATTTTCATTGACCATCACATGCTAATAGTGTATTTTTTTCCAGG[TATTGA>T]ATTGAAACACCTTTGTTTGGAATACATGACTCCATGGCTGTCAAATCTAGTTCGTTTTTG-3'

ClinVar aggregate classification (germline): Pathogenic. Review status: criteria provided, multiple submitters, no conflicts (2 of 4 stars). 3 submissions from 3 submitters: Pathogenic (3). Last evaluated 2023-10-03.

Conditions:
Hereditary cancer-predisposing syndrome. Also called: Tumor predisposition; Hereditary neoplastic syndrome; Hereditary Cancer Syndrome; Neoplastic Syndromes, Hereditary. Identifiers: Orphanet 140162, MedGen C0027672, MeSH D009386, MONDO:0015356.
Cardiovascular phenotype. Identifiers: MedGen CN230736.
Neurofibromatosis, type 1 (NF1). Also called: NEUROFIBROMATOSIS, TYPE I, SOMATIC; VON RECKLINGHAUSEN DISEASE; Peripheral type neurofibromatosis; Neurofibromatosis, type I. Identifiers: Orphanet 636, MedGen C0027831, MONDO:0018975, OMIM 162200. Disease mechanism: loss of function.

Submissions (3):

GeneDx
Classification: Pathogenic. Last evaluated: 2023-10-03. Review status: criteria provided, single submitter. Criteria: GeneDx Variant Classification Process June 2021. Collection method: clinical testing. Allele origin: germline. Affected: yes.
Comment: Frameshift variant predicted to result in protein truncation or nonsense mediated decay in a gene for which loss of function is a known mechanism of disease; Not observed at significant frequency in large population cohorts (gnomAD); Also known as c.5752_5756delATTGA; This variant is associated with the following publications: (PMID: 36061378)

Labcorp Genetics (formerly Invitae), Labcorp
Classification: Pathogenic for Neurofibromatosis, type 1. Last evaluated: 2022-08-03. Review status: criteria provided, single submitter. Criteria: Invitae Variant Classification Sherloc (09022015). Collection method: clinical testing. Allele origin: germline.
Comment: ClinVar contains an entry for this variant (Variation ID: 1451746). This sequence change creates a premature translational stop signal (p.Leu1920Thrfs*21) in the NF1 gene. It is expected to result in an absent or disrupted protein product. Loss-of-function variants in NF1 are known to be pathogenic (PMID: 10712197, 23913538). This variant is not present in population databases (gnomAD no frequency). This variant has not been reported in the literature in individuals affected with NF1-related conditions. For these reasons, this variant has been classified as Pathogenic.

Ambry Genetics
Classification: Pathogenic for Cardiovascular phenotype; Hereditary cancer-predisposing syndrome. Last evaluated: 2020-11-25. Review status: criteria provided, single submitter. Criteria: Ambry Variant Classification Scheme 2023. Collection method: clinical testing. Allele origin: germline.
Comment: The c.5758_5762delTTGAA pathogenic mutation, located in coding exon 39 of the NF1 gene, results from a deletion of 5 nucleotides at nucleotide positions 5758 to 5762, causing a translational frameshift with a predicted alternate stop codon (p.L1920Tfs*21). This alteration is expected to result in loss of function by premature protein truncation or nonsense-mediated mRNA decay. As such, this alteration is interpreted as a disease-causing mutation.

Literature cited by the submitters: PubMed 10712197 (cited by Labcorp Genetics (formerly Invitae), Labcorp); PubMed 23913538 (cited by Labcorp Genetics (formerly Invitae), Labcorp).